The following is an entry in ClinVar:

NM_000038.6(APC):c.1548+293A>G

Gene: APC (APC regulator of WNT signaling pathway; plus strand). Cytogenetic location: 5q22.2.
Variant type: single nucleotide variant.
Coding change: c.1548+293A>G on transcript NM_000038.6 (MANE Select); 293 bases into the intron after coding-DNA position 1548, A replaced by G.
Molecular consequence: intron variant.
Genome position (GRCh38, 1-based): chr5:112,827,540, A>G. VCF-style: chr5-112827540-A-G. GRCh37 (hg19) VCF-style: chr5-112163237-A-G.
Other names: c.1548+293A>G (NM_001354895.2, NM_001127510.3); c.1578+293A>G (NM_001354897.2); c.1275+293A>G (NM_001354902.2); c.1494+293A>G (NM_001127511.3); c.1473+293A>G (NM_001354898.2); c.1170+293A>G (NM_001354904.2); c.699+293A>G (NM_001354906.2); c.1602+293A>G (NM_001354896.2); and 5 more.
Identifiers: ClinVar variation 82583 (VCV000082583.2), dbSNP rs76597814, ClinGen allele CA005274.

ClinVar aggregate classification (germline): other (0 of 4 stars; one submission).

Conditions:
Familial colorectal cancer. Identifiers: MedGen CN280943, MONDO:0023113. Disease mechanism: loss of function.

Submission:

Systems Biology Platform Zhejiang California International NanoSystems Institute
Classification: other for Familial colorectal cancer. Review status: no assertion criteria provided. Collection method: not provided. Allele origin: unknown.
ClinVar note: Converted during submission from cancer to other.